The following is an entry in ClinVar:

NM_001195263.2(PDZD7):c.2356C>T (p.Arg786Trp)

Gene: PDZD7 (PDZ domain containing 7; minus strand). Cytogenetic location: 10q24.31.
Variant type: single nucleotide variant.
Coding change: c.2356C>T on transcript NM_001195263.2 (MANE Select); coding-DNA position 2356, C replaced by T.
Protein change: p.Arg786Trp; replaces arginine 786 with tryptophan.
Molecular consequence: missense variant.
Genome position (GRCh38, 1-based): chr10:101,010,533, G>A on the plus strand (C>T on the coding strand, the complement: PDZD7 is on the minus strand). VCF-style: chr10-101010533-G-A. GRCh37 (hg19) VCF-style: chr10-102770290-G-A.
Other names: short protein forms R786W.
Identifiers: ClinVar variation 1524530 (VCV001524530.6), dbSNP rs1363537692, ClinGen allele CA378224458.

ClinVar aggregate classification (germline): Uncertain significance (1 of 4 stars; one submission).

Allele frequency attached by ClinVar (database versions not stated): gnomAD 0.00001 and 0.00003; gnomAD exomes 0.00001; TOPMed 0.00002; 1000 Genomes Project 30x 0.00031.
gnomAD v4.1: 58 of 1,439,088 alleles (0.004%); highest among the groups gnomAD compares: African/African-American, 0.0057%; no homozygotes.

Submission:

Labcorp Genetics (formerly Invitae), Labcorp
Classification: Uncertain significance. Last evaluated: 2022-11-08. Review status: criteria provided, single submitter. Criteria: Invitae Variant Classification Sherloc (09022015). Collection method: clinical testing. Allele origin: germline.
Comment: This variant has not been reported in the literature in individuals affected with PDZD7-related conditions. This sequence change replaces arginine, which is basic and polar, with tryptophan, which is neutral and slightly polar, at codon 786 of the PDZD7 protein (p.Arg786Trp). The frequency data for this variant in the population databases is considered unreliable, as metrics indicate poor data quality at this position in the gnomAD database. ClinVar contains an entry for this variant (Variation ID: 1524530). Algorithms developed to predict the effect of missense changes on protein structure and function output the following: SIFT: "Deleterious"; PolyPhen-2: "Not Available"; Align-GVGD: "Class C0". The tryptophan amino acid residue is found in multiple mammalian species, which suggests that this missense change does not adversely affect protein function. In summary, the available evidence is currently insufficient to determine the role of this variant in disease. Therefore, it has been classified as a Variant of Uncertain Significance.